The following is an entry in ClinVar:

ClinVar aggregate classification (germline): Uncertain significance (1 of 4 stars; one submission).

Conditions:
Long QT syndrome (LQTS). Identifiers: MedGen C0023976, MeSH D008133, MONDO:0002442. Disease mechanism: loss of function. Inheritance: Various modes of inheritance.

gnomAD v4.1: 2 of 1,614,062 alleles (0.00012%); highest among the groups gnomAD compares: Middle Eastern, 0.017%; no homozygotes.

Submission:

Labcorp Genetics (formerly Invitae), Labcorp
Classification: Uncertain significance for Long QT syndrome. Last evaluated: 2026-01-19. Review status: criteria provided, single submitter. Criteria: Invitae Variant Classification Sherloc (09022015). Collection method: clinical testing. Allele origin: germline.
Comment: This sequence change replaces asparagine, which is neutral and polar, with serine, which is neutral and polar, at codon 2353 of the AKAP9 protein (p.Asn2353Ser). This variant is not present in population databases (gnomAD no frequency). This variant has not been reported in the literature in individuals affected with AKAP9-related conditions. An algorithm developed to predict the effect of missense changes on protein structure and function outputs the following: PolyPhen-2: "Benign". The serine amino acid residue is found in multiple mammalian species, which suggests that this missense change does not adversely affect protein function. In summary, the available evidence is currently insufficient to determine the role of this variant in disease. Therefore, it has been classified as a Variant of Uncertain Significance.

NM_005751.5(AKAP9):c.7058A>G (p.Asn2353Ser)

Gene: AKAP9 (A-kinase anchoring protein 9; plus strand). Cytogenetic location: 7q21.2.
Variant type: single nucleotide variant.
Coding change: c.7058A>G on transcript NM_005751.5 (MANE Select); coding-DNA position 7058, A replaced by G.
Protein change: p.Asn2353Ser; replaces asparagine 2353 with serine.
Molecular consequence: missense variant.
Genome position (GRCh38, 1-based): chr7:92,079,191, A>G. VCF-style: chr7-92079191-A-G. GRCh37 (hg19) VCF-style: chr7-91708505-A-G.
Other names: c.1703A>G, p.Asn568Ser (NM_001379277.1); c.7034A>G, p.Asn2345Ser (NM_147185.3); short protein forms N2353S, N2345S, N568S.
Identifiers: ClinVar variation 4695687 (VCV004695687.1).